The following is an entry in ClinVar:

NM_001378964.1(CDON):c.2279G>A (p.Arg760Gln)

Gene: CDON (cell adhesion associated, oncogene regulated; minus strand). Cytogenetic location: 11q24.2.
Variant type: single nucleotide variant.
Coding change: c.2279G>A on transcript NM_001378964.1 (MANE Select); coding-DNA position 2279, G replaced by A.
Protein change: p.Arg760Gln; replaces arginine 760 with glutamine.
Molecular consequence: missense variant.
Genome position (GRCh38, 1-based): chr11:125,997,290, C>T on the plus strand (G>A on the coding strand, the complement: CDON is on the minus strand). VCF-style: chr11-125997290-C-T. GRCh37 (hg19) VCF-style: chr11-125867185-C-T.
Other names: c.2279G>A, p.Arg760Gln (NM_001243597.3, NM_016952.6); short protein forms R760Q.
Identifiers: ClinVar variation 303500 (VCV000303500.17), dbSNP rs150587299, ClinGen allele CA6351789.

ClinVar aggregate classification (germline): Benign/Likely benign. Review status: criteria provided, multiple submitters, no conflicts (2 of 4 stars). 4 submissions from 4 submitters: Benign (2); Likely benign (1). 1 of the submissions does not count toward it. Last evaluated 2025-06-13.

Conditions:
CDON-related disorder. Also called: CDON-related condition.
Holoprosencephaly 11 (HPE11). Identifiers: Orphanet 2162, MedGen C3280215, MONDO:0013642, OMIM 614226.

Allele frequency attached by ClinVar (database versions not stated): gnomAD 0.00128 and 0.00139; ESP Exome Variant Server 0.00138; TOPMed 0.00166; 1000 Genomes Project 0.00200; 1000 Genomes Project 30x 0.00203; gnomAD exomes 0.00051.
gnomAD v4.1: 471 of 1,614,032 alleles (0.029%); highest among the groups gnomAD compares: African/African-American, 0.39%; 2 homozygotes.

Submissions (4):

Labcorp Genetics (formerly Invitae), Labcorp
Classification: Benign for Holoprosencephaly 11. Last evaluated: 2025-06-13. Review status: criteria provided, single submitter. Criteria: Invitae Variant Classification Sherloc (09022015). Collection method: clinical testing. Allele origin: germline.

Blueprint Genetics
Classification: Likely benign. Last evaluated: 2024-07-02. Review status: criteria provided, single submitter. Criteria: ACMG Guidelines, 2015. Collection method: clinical testing. Allele origin: germline.

Illumina Laboratory Services, Illumina
Classification: Benign for Holoprosencephaly 11. Last evaluated: 2018-01-13. Review status: criteria provided, single submitter. Criteria: ICSL Variant Classification Criteria 13 December 2019. Collection method: clinical testing. Allele origin: germline.
Comment: This variant was observed in the ICSL laboratory as part of a predisposition screen in an ostensibly healthy population. It had not been previously curated by ICSL or reported in the Human Gene Mutation Database (HGMD: prior to June 1st, 2018), and was therefore a candidate for classification through an automated scoring system. Utilizing variant allele frequency, disease prevalence and penetrance estimates, and inheritance mode, an automated score was calculated to assess if this variant is too frequent to cause the disease. Based on the score and internal cut-off values, a variant classified as benign is not then subjected to further curation. The score for this variant resulted in a classification of benign for this disease.

PreventionGenetics, part of Exact Sciences
Classification: Benign for CDON-related condition. Last evaluated: 2020-07-03. Review status: no assertion criteria provided. Collection method: clinical testing. Allele origin: germline. Not counted in ClinVar's aggregate classification.
Comment: This variant is classified as benign based on ACMG/AMP sequence variant interpretation guidelines (Richards et al. 2015 PMID: 25741868, with internal and published modifications).